The following is an entry in ClinVar:

ClinVar aggregate classification (germline): Conflicting classifications of pathogenicity. Review status: criteria provided, conflicting classifications (1 of 4 stars). 4 submissions from 4 submitters: Likely pathogenic (2); Uncertain significance (1). 1 of the submissions does not count toward it. Last evaluated 2025-09-10.

Conditions:
KRT9-related disorder. Also called: KRT9-related condition.
Epidermolytic palmoplantar keratoderma, 1 (EPPK1). Also called: PALMOPLANTAR KERATODERMA, EPIDERMOLYTIC, WITH KNUCKLE PADS; TYLOSIS. Identifiers: Orphanet 2199, MedGen CN377798, MONDO:0007758, OMIM 144200.

Allele frequency attached by ClinVar (database versions not stated): gnomAD exomes below 0.00001.
gnomAD v4.1: 6 of 1,613,906 alleles (0.00037%); highest among the groups gnomAD compares: Non-Finnish European, 0.00034%; no homozygotes.

Submissions (4):

Labcorp Genetics (formerly Invitae), Labcorp
Classification: Uncertain significance. Last evaluated: 2025-09-10. Review status: criteria provided, single submitter. Criteria: Invitae Variant Classification Sherloc (09022015). Collection method: clinical testing. Allele origin: germline.
Comment: This sequence change replaces leucine, which is neutral and non-polar, with phenylalanine, which is neutral and non-polar, at codon 458 of the KRT9 protein (p.Leu458Phe). This variant is not present in population databases (gnomAD no frequency). This missense change has been observed in individuals with epidermolytic palmoplantar keratoderma (PMID: 16911293; internal data). ClinVar contains an entry for this variant (Variation ID: 66148). Invitae Evidence Modeling of protein sequence and biophysical properties (such as structural, functional, and spatial information, amino acid conservation, physicochemical variation, residue mobility, and thermodynamic stability) has been performed for this missense variant. However, the output from this modeling did not meet the statistical confidence thresholds required to predict the impact of this variant on KRT9 protein function. This variant disrupts the p.Leu458 amino acid residue in KRT9. Other variant(s) that disrupt this residue have been determined to be pathogenic (PMID: 21715251). This suggests that this residue is clinically significant, and that variants that disrupt this residue are likely to be disease-causing. In summary, the available evidence is currently insufficient to determine the role of this variant in disease. Therefore, it has been classified as a Variant of Uncertain Significance.

Blueprint Genetics
Classification: Likely pathogenic for KRT9-related disorders. Last evaluated: 2020-09-21. Review status: criteria provided, single submitter. Criteria: ACMG Guidelines, 2015. Collection method: clinical testing. Allele origin: germline. Affected: yes. Observed: 1 variant allele.

Clinical Genetics Service, Universitary Hospital 12 de Octubre
Classification: Likely pathogenic for Epidermolytic palmoplantar keratoderma, 1. Review status: criteria provided, single submitter. Criteria: ACMG Guidelines, 2015. Collection method: clinical testing. Allele origin: germline. Affected: yes.

Epithelial Biology;  Institute of Medical Biology, Singapore
No classification provided. Review status: no classification provided. Collection method: not provided. Allele origin: not provided. Not counted in ClinVar's aggregate classification.

Literature cited by the submitters: PubMed 16911293 (cited by Labcorp Genetics (formerly Invitae), Labcorp); PubMed 21715251 (cited by Labcorp Genetics (formerly Invitae), Labcorp).

NM_000226.4(KRT9):c.1372C>T (p.Leu458Phe)

Gene: KRT9 (keratin 9; minus strand). Cytogenetic location: 17q21.2.
Variant type: single nucleotide variant.
Coding change: c.1372C>T on transcript NM_000226.4 (MANE Select); coding-DNA position 1372, C replaced by T.
Protein change: p.Leu458Phe; replaces leucine 458 with phenylalanine.
Molecular consequence: missense variant.
Genome position (GRCh38, 1-based): chr17:41,568,184, G>A on the plus strand (C>T on the coding strand, the complement: KRT9 is on the minus strand). VCF-style: chr17-41568184-G-A. GRCh37 (hg19) VCF-style: chr17-39724436-G-A.
Other names: short protein forms L458F.
Identifiers: ClinVar variation 66148 (VCV000066148.4), dbSNP rs58120120, ClinGen allele CA216550.